The following is an entry in ClinVar:

NM_020191.4(MRPS22):c.943C>T (p.Gln315Ter)

Gene: MRPS22 (mitochondrial ribosomal protein S22; plus strand). Cytogenetic location: 3q23.
Variant type: single nucleotide variant.
Coding change: c.943C>T on transcript NM_020191.4 (MANE Select); coding-DNA position 943, C replaced by T.
Protein change: p.Gln315Ter; replaces glutamine 315 with a stop codon.
Molecular consequence: nonsense.
Genome position (GRCh38, 1-based): chr3:139,355,746, C>T. VCF-style: chr3-139355746-C-T. GRCh37 (hg19) VCF-style: chr3-139074588-C-T.
Other names: c.820C>T, p.Gln274Ter (NM_001363857.1); c.940C>T, p.Gln314Ter (NM_001363893.1); short protein forms Q315*, Q274*, Q314*.
Identifiers: ClinVar variation 2585582 (VCV002585582.1), dbSNP rs1213548174, ClinGen allele CA354764958.

ClinVar aggregate classification (germline): Uncertain significance (1 of 4 stars; one submission).

Conditions:
Hypotonia with lactic acidemia and hyperammonemia. Identifiers: Orphanet 137908, MedGen C2673642, MONDO:0012718, OMIM 611719.

Allele frequency attached by ClinVar (database versions not stated): gnomAD exomes below 0.00001.
gnomAD v4.1: 3 of 1,614,122 alleles (0.00019%); highest among the groups gnomAD compares: Non-Finnish European, 0.00025%; no homozygotes.

Submission:

Neuberg Centre For Genomic Medicine, NCGM
Classification: Uncertain significance for Hypotonia with lactic acidemia and hyperammonemia. Review status: criteria provided, single submitter. Criteria: ACMG Guidelines, 2015. Collection method: clinical testing. Allele origin: germline. Inheritance: Autosomal recessive inheritance. Affected: yes.
Comment: The stop gain variant c.943C>T (p.Gln315Ter) has not been reported previously as a pathogenic variant nor as a benign variant, to our knowledge. This variant is reported with the allele frequency (0.0004%) in the gnomAD and novel in 1000 genome database. Loss of function variants have been previously reported to be disease causing. However since this variant is present in the penultimate exon functional studies will be required to prove protein truncation. Hence the variant is classified as Uncertain Significance.